The following is an entry in ClinVar:

NM_001606.5(ABCA2):c.4293C>T (p.Asp1431=)

Gene: ABCA2 (ATP binding cassette subfamily A member 2; minus strand). Cytogenetic location: 9q34.3.
Variant type: single nucleotide variant.
Coding change: c.4293C>T on transcript NM_001606.5 (MANE Select); coding-DNA position 4293, C replaced by T.
Protein change: p.Asp1431=; no amino-acid change (aspartic acid 1431 retained).
Molecular consequence: synonymous variant.
Genome position (GRCh38, 1-based): chr9:137,013,986, G>A on the plus strand (C>T on the coding strand, the complement: ABCA2 is on the minus strand). VCF-style: chr9-137013986-G-A. GRCh37 (hg19) VCF-style: chr9-139908438-G-A.
Other names: c.4290C>T, p.Asp1430= (NM_001411042.1); c.4383C>T, p.Asp1461= (NM_212533.3).
Identifiers: ClinVar variation 2659778 (VCV002659778.25), dbSNP rs144831765, ClinGen allele CA5354434.

ClinVar aggregate classification (germline): Likely benign. Review status: criteria provided, multiple submitters, no conflicts (2 of 4 stars). 2 submissions from 2 submitters: Likely benign (2). Last evaluated 2025-03-01.

Allele frequency attached by ClinVar (database versions not stated): gnomAD exomes 0.00059; ExAC 0.00144; gnomAD 0.00320; TOPMed 0.00343; ESP Exome Variant Server 0.00382; 1000 Genomes Project 30x 0.00562; 1000 Genomes Project 0.00599.

Submissions (2):

CeGaT Center for Human Genetics Tuebingen
Classification: Likely benign. Last evaluated: 2025-03-01. Review status: criteria provided, single submitter. Criteria: CeGaT Center For Human Genetics Tuebingen Variant Classification Criteria Version 2. Collection method: clinical testing. Allele origin: germline. Affected: yes. Observed: 5 variant alleles.
Comment: ABCA2: BP4, BP7, BS1

Blueprint Genetics
Classification: Likely benign. Last evaluated: 2024-10-22. Review status: criteria provided, single submitter. Criteria: ACMG Guidelines, 2015. Collection method: clinical testing. Allele origin: germline.